The following is an entry in ClinVar:

NM_001080432.3(FTO):c.436C>A (p.Leu146Met)

Gene: FTO (FTO alpha-ketoglutarate dependent dioxygenase; plus strand). Cytogenetic location: 16q12.2.
Variant type: single nucleotide variant.
Coding change: c.436C>A on transcript NM_001080432.3 (MANE Select); coding-DNA position 436, C replaced by A.
Protein change: p.Leu146Met; replaces leucine 146 with methionine.
Molecular consequence: missense variant.
Genome position (GRCh38, 1-based): chr16:53,826,176, C>A. VCF-style: chr16-53826176-C-A. GRCh37 (hg19) VCF-style: chr16-53860088-C-A.
Other names: c.436C>A, p.Leu146Met (NM_001363891.2, NM_001363894.2, NM_001363896.2 and 6 more transcripts); c.358C>A, p.Leu120Met (NM_001363897.2); c.-78C>A (NM_001363905.2); short protein forms L120M, L146M.
Identifiers: ClinVar variation 1385273 (VCV001385273.3), dbSNP rs182784714, ClinGen allele CA8058378.

ClinVar aggregate classification (germline): Uncertain significance (1 of 4 stars; one submission).

Allele frequency attached by ClinVar (database versions not stated): ESP Exome Variant Server 0.00008; gnomAD 0.00020 and 0.00021; ExAC 0.00026; gnomAD exomes 0.00032 and 0.00060; TOPMed 0.00035.
gnomAD v4.1: 903 of 1,614,052 alleles (0.056%); highest among the groups gnomAD compares: Non-Finnish European, 0.071%; 1 homozygote.

Submission:

Labcorp Genetics (formerly Invitae), Labcorp
Classification: Uncertain significance. Last evaluated: 2022-09-06. Review status: criteria provided, single submitter. Criteria: Invitae Variant Classification Sherloc (09022015). Collection method: clinical testing. Allele origin: germline.
Comment: This sequence change replaces leucine, which is neutral and non-polar, with methionine, which is neutral and non-polar, at codon 146 of the FTO protein (p.Leu146Met). This variant is present in population databases (rs182784714, gnomAD 0.06%). This variant has not been reported in the literature in individuals affected with FTO-related conditions. ClinVar contains an entry for this variant (Variation ID: 1385273). Algorithms developed to predict the effect of missense changes on protein structure and function are either unavailable or do not agree on the potential impact of this missense change (SIFT: "Deleterious"; PolyPhen-2: "Probably Damaging"; Align-GVGD: "Class C0"). In summary, the available evidence is currently insufficient to determine the role of this variant in disease. Therefore, it has been classified as a Variant of Uncertain Significance.